The following is an entry in ClinVar:

NM_001177316.2(SLC34A3):c.1312G>A (p.Asp438Asn)

Gene: SLC34A3 (solute carrier family 34 member 3; plus strand). Cytogenetic location: 9q34.3.
Variant type: single nucleotide variant.
Coding change: c.1312G>A on transcript NM_001177316.2 (MANE Select); coding-DNA position 1312, G replaced by A.
Protein change: p.Asp438Asn; replaces aspartic acid 438 with asparagine.
Molecular consequence: missense variant.
Genome position (GRCh38, 1-based): chr9:137,234,708, G>A. VCF-style: chr9-137234708-G-A. GRCh37 (hg19) VCF-style: chr9-140129160-G-A.
Other names: c.1312G>A, p.Asp438Asn (NM_001177317.2, NM_080877.3); short protein forms D438N.
Identifiers: ClinVar variation 4749970 (VCV004749970.1).

ClinVar aggregate classification (germline): Uncertain significance (1 of 4 stars; one submission).

Submission:

Labcorp Genetics (formerly Invitae), Labcorp
Classification: Uncertain significance. Last evaluated: 2025-10-21. Review status: criteria provided, single submitter. Criteria: Invitae Variant Classification Sherloc (09022015). Collection method: clinical testing. Allele origin: germline.
Comment: This sequence change replaces aspartic acid, which is acidic and polar, with asparagine, which is neutral and polar, at codon 438 of the SLC34A3 protein (p.Asp438Asn). This variant is not present in population databases (gnomAD no frequency). This variant has not been reported in the literature in individuals affected with SLC34A3-related conditions. Invitae Evidence Modeling of protein sequence and biophysical properties (such as structural, functional, and spatial information, amino acid conservation, physicochemical variation, residue mobility, and thermodynamic stability) indicates that this missense variant is not expected to disrupt SLC34A3 protein function with a negative predictive value of 80%. In summary, the available evidence is currently insufficient to determine the role of this variant in disease. Therefore, it has been classified as a Variant of Uncertain Significance.